The following is an entry in ClinVar:

ClinVar aggregate classification (germline): Uncertain significance (1 of 4 stars; one submission).

Conditions:
Cardiomyopathy (CMYO). Also called: Cardiomyopathies. Identifiers: Orphanet 167848, MedGen C0878544, MONDO:0004994, HP:0001638. Inheritance: Various modes of inheritance.

Submission:

All of Us Research Program, National Institutes of Health
Classification: Uncertain significance for Cardiomyopathy. Last evaluated: 2024-04-25. Review status: criteria provided, single submitter. Criteria: ACMG Guidelines, 2015. Collection method: clinical testing. Allele origin: germline. Inheritance: Autosomal dominant inheritance. Observed: 1 variant allele, 1 heterozygote.
Comment: This missense variant replaces glutamic acid with aspartic acid at codon 133 of the TNNT2 protein. Computational prediction is inconclusive regarding the impact of this variant on protein structure and function (internally defined REVEL score threshold 0.5 < inconclusive < 0.7, PMID: 27666373). To our knowledge, functional studies have not been reported for this variant. This variant has not been reported in individuals affected with TNNT2-related disorders in the literature. This variant has not been identified in the general population by the Genome Aggregation Database (gnomAD). The available evidence is insufficient to determine the role of this variant in disease conclusively. Therefore, this variant is classified as a Variant of Uncertain Significance.

This study involves interpretation of variants in research participants for the purpose of population health screening. Participant phenotype was not available at the time of variant classification. Additional details can be found in publication PMID: 35346344, PMCID: PMC8962531

NM_001276345.2(TNNT2):c.429G>C (p.Glu143Asp)

Gene: TNNT2 (troponin T2, cardiac type; minus strand). Cytogenetic location: 1q32.1.
Variant type: single nucleotide variant.
Coding change: c.429G>C on transcript NM_001276345.2 (MANE Select); coding-DNA position 429, G replaced by C.
Protein change: p.Glu143Asp; replaces glutamic acid 143 with aspartic acid.
Molecular consequence: missense variant.
Genome position (GRCh38, 1-based): chr1:201,364,358, C>G on the plus strand (G>C on the coding strand, the complement: TNNT2 is on the minus strand). VCF-style: chr1-201364358-C-G. GRCh37 (hg19) VCF-style: chr1-201333486-C-G.
Other names: c.429G>C, p.Glu143Asp (NM_000364.4, NM_001406723.1); c.399G>C, p.Glu133Asp (NM_001001430.3, NM_001001431.3, NM_001276347.2 and 3 more transcripts); c.384G>C, p.Glu128Asp (NM_001001432.3, NM_001406728.1); c.309G>C, p.Glu103Asp (NM_001276346.2); c.396G>C, p.Glu132Asp (NM_001406725.1); short protein forms E103D, E128D, E132D, E133D, E143D.
Identifiers: ClinVar variation 3386117 (VCV003386117.1).